The following is an entry in ClinVar:

NM_004360.5(CDH1):c.2398del (p.Arg800fs)

Gene: CDH1 (cadherin 1; plus strand). Cytogenetic location: 16q22.1.
Variant type: Deletion.
Coding change: c.2398del on transcript NM_004360.5 (MANE Select); coding-DNA position 2398, one base deleted (C; older notation c.2398delC).
Protein change: p.Arg800fs; shifts the reading frame from arginine 800.
Molecular consequence: frameshift variant.
Genome position (GRCh38, 1-based): chr16:68,829,756, C deleted; the last of 4 consecutive C bases (chr16:68,829,753-68,829,756); deleting any one gives the same sequence. VCF-style (leftmost placement, unchanged base first): chr16-68829752-TC-T. GRCh37 (hg19) VCF-style: chr16-68863655-TC-T.
Other names: NM_004360.4(CDH1):c.2398delC; c.2398del (LRG_301t1, NM_004360.3); c.2215del, p.Arg739fs (NM_001317184.2); c.850del, p.Arg284fs (NM_001317185.2); c.433del, p.Arg145fs (NM_001317186.2); short protein forms R145fs, R284fs, R739fs, R800fs.
Identifiers: ClinVar variation 156497 (VCV000156497.26), dbSNP rs587783048, ClinGen allele CA281459.

ClinVar aggregate classification (germline): Pathogenic. Review status: reviewed by expert panel (3 of 4 stars). 7 submissions from 7 submitters: Pathogenic (1). 6 of the submissions do not count toward it. Last evaluated 2023-08-29.

Conditions:
Hereditary cancer-predisposing syndrome. Also called: Tumor predisposition; Neoplastic Syndromes, Hereditary; Hereditary neoplastic syndrome; Hereditary Cancer Syndrome. Identifiers: Orphanet 140162, MedGen C0027672, MeSH D009386, MONDO:0015356.
CDH1-related diffuse gastric and lobular breast cancer syndrome. Also called: CDH1-related diffuse gastric and lobular breast cancer. Identifiers: MedGen CN311521, MONDO:0100488.
Hereditary diffuse gastric adenocarcinoma (HDGC). Also called: DIFFUSE GASTRIC AND LOBULAR BREAST CANCER SYNDROME. Identifiers: Orphanet 26106, MedGen C1708349, MONDO:0007648, OMIM 137215.

Submissions (7):

Clingen Gastric Cancer Variant Curation Expert Panel
Classification: Pathogenic for CDH1-related diffuse gastric and lobular breast cancer syndrome. Last evaluated: 2023-08-29. Review status: reviewed by expert panel. Criteria: ClinGen CDH1 ACMG Specifications V3.1. Collection method: curation. Allele origin: germline. Inheritance: Autosomal dominant inheritance.
Comment: The c.2398delC (p.Arg800Alafs*16) variant is predicted to result in a premature stop codon that leads to a truncated protein. However, it is located within the nonsense mediated decay resistance region upstream of c.2506G>T (p.Glu836*) (PVS1_Strong). The variant is absent in the gnomAD cohort (PM2_Supporting). This variant has been reported in at least 4 families meeting HDGC clinical criteria (PS4; PMID 17545690). This variant was also found to co-segregation with disease in multiple affected family members, with 3 or 4 meioses observed (PP1; PMID: 17545690). In summary, this variant meets criteria to be classified as pathogenic based on the ACMG/AMP criteria applied as specified by the CDH1 Variant Curation Expert Panel (Variant Interpretation Guidelines Version 3.1): PVS1_Strong, PM2_Supporting, PS4, PP1.

Labcorp Genetics (formerly Invitae), Labcorp
Classification: Pathogenic for Hereditary diffuse gastric adenocarcinoma. Last evaluated: 2025-05-22. Review status: criteria provided, single submitter. Criteria: Invitae Variant Classification Sherloc (09022015). Collection method: clinical testing. Allele origin: germline. Not counted in ClinVar's aggregate classification.
Comment: This sequence change creates a premature translational stop signal (p.Arg800Alafs*16) in the CDH1 gene. While this is not anticipated to result in nonsense mediated decay, it is expected to disrupt the last 83 amino acid(s) of the CDH1 protein. This variant is not present in population databases (gnomAD no frequency). This premature translational stop signal has been observed in individual(s) with diffuse gastric cancer (DGC) and lobular breast cancer (LBC) (PMID: 17545690, 23709761, 24366306). It is commonly reported in individuals of Newfoundland ancestry (PMID: 17545690, 23709761, 24366306). This variant is also known as a founder mutation that segregated with DGC and LBC in multiple families originating from Newfoundland (PMID: 17545690). ClinVar contains an entry for this variant (Variation ID: 156497). This variant disrupts a region of the CDH1 protein in which other variant(s) (p.Phe810Leufs*6) have been determined to be pathogenic (PMID: 26182300; internal data). This suggests that this is a clinically significant region of the protein, and that variants that disrupt it are likely to be disease-causing. For these reasons, this variant has been classified as Pathogenic.

GeneDx
Classification: Pathogenic. Last evaluated: 2024-09-03. Review status: criteria provided, single submitter. Criteria: GeneDx Variant Classification Process June 2021. Collection method: clinical testing. Allele origin: germline. Affected: yes. Not counted in ClinVar's aggregate classification.
Comment: Frameshift variant in the C-terminus predicted to result in protein truncation as the last 82 amino acids are lost and replaced with 15 incorrect amino acids (HGMD); Observed in individuals with hereditary diffuse gastric cancer and invasive lobular breast cancer (PMID: 24366306, 34949788, 23709761, 19269290, 17545690); Co-segregated with hereditary diffuse gastric cancer and lobular breast cancer in multiple families and report as a founder variant in Newfoundland (PMID: 17545690); Not observed at significant frequency in large population cohorts (gnomAD); This variant is associated with the following publications: (PMID: 24366306, 26759166, 18161866, 19408054, 17545690, 23709761, 18427545, 18007144, 19269290, 22225527, 20373070, 21696387, 18046629, 27752808, 30311375, 29798843, 30745422, 15235021, 22850631, 34949788)

Ambry Genetics
Classification: Pathogenic for Hereditary cancer-predisposing syndrome. Last evaluated: 2024-06-25. Review status: criteria provided, single submitter. Criteria: Ambry Variant Classification Scheme 2023. Collection method: clinical testing. Allele origin: germline. Not counted in ClinVar's aggregate classification.
Comment: The c.2398delC pathogenic mutation, located in coding exon 15 of the CDH1 gene, results from a deletion of one nucleotide at nucleotide position 2398, causing a translational frameshift with a predicted alternate stop codon (p.R800Afs*16). This alteration occurs at the 3' terminus of the CDH1 gene, is not expected to trigger nonsense-mediated mRNA decay, and only impacts the last 9% of the protein. However, premature stop codons are typically deleterious in nature and a significant portion of the protein is affected (Ambry internal data). This mutation was reported in four HDGC families from the southeast coast of Newfoundland who shared a common haplotype, suggesting a founder effect. Based on clinical data obtained from the families, the authors were able to estimate the penetrance of the c.2398delC mutation. The cumulative risk of gastric cancer by age 75 for these four families was estimated to be 40% (95% CI 12%-91%) for males and 63% (95% CI 19%-99%) for females, and a cumulative risk for female breast cancer by age 75 was estimated to be 52% (95% CI 29%-94%) (Kaurah P et al. JAMA, 2007 Jun;297:2360-72). This variant is considered to be rare based on population cohorts in the Genome Aggregation Database (gnomAD). Based on the supporting evidence, this variant is interpreted as a disease-causing mutation.

Myriad Genetics, Inc.
Classification: Pathogenic for Hereditary diffuse gastric adenocarcinoma. Last evaluated: 2023-06-15. Review status: criteria provided, single submitter. Criteria: Myriad Autosomal Dominant, Autosomal Recessive and X-Linked Classification Criteria (2023). Collection method: clinical testing. Allele origin: unknown. Not counted in ClinVar's aggregate classification.
Comment: This variant is considered pathogenic. This variant creates a frameshift predicted to result in premature protein truncation.

Pathway Genomics
Classification: Pathogenic for Hereditary diffuse gastric cancer. Last evaluated: 2014-07-24. Review status: no assertion criteria provided. Collection method: clinical testing. Allele origin: germline. Not counted in ClinVar's aggregate classification.

Department of Pathology and Laboratory Medicine, Sinai Health System
Classification: Uncertain significance. Review status: no assertion criteria provided. Collection method: clinical testing. Allele origin: unknown. Affected: yes. Study: The Canadian Open Genetics Repository (COGR). Not counted in ClinVar's aggregate classification.

Literature cited by the submitters: PubMed 18427545 (cited by Clingen Gastric Cancer Variant Curation Expert Panel); PubMed 17545690 (cited by 3 submitters); PubMed 23709761 (cited by Labcorp Genetics (formerly Invitae), Labcorp); PubMed 24366306 (cited by Labcorp Genetics (formerly Invitae), Labcorp and Ambry Genetics); PubMed 26182300 (cited by Labcorp Genetics (formerly Invitae), Labcorp).